The following is an entry in ClinVar:

NM_001999.4(FBN2):c.7163C>T (p.Ala2388Val)

Gene: FBN2 (fibrillin 2; minus strand). Cytogenetic location: 5q23.3.
Variant type: single nucleotide variant.
Coding change: c.7163C>T on transcript NM_001999.4 (MANE Select); coding-DNA position 7163, C replaced by T.
Protein change: p.Ala2388Val; replaces alanine 2388 with valine.
Molecular consequence: missense variant.
Genome position (GRCh38, 1-based): chr5:128,278,817, G>A on the plus strand (C>T on the coding strand, the complement: FBN2 is on the minus strand). VCF-style: chr5-128278817-G-A. GRCh37 (hg19) VCF-style: chr5-127614509-G-A.
Other names: short protein forms A2388V.
Identifiers: ClinVar variation 1061530 (VCV001061530.9), dbSNP rs754380350, ClinGen allele CA3394191.

ClinVar aggregate classification (germline): Uncertain significance (1 of 4 stars; one submission).

Conditions:
Congenital contractural arachnodactyly (CCA). Also called: BEALS SYNDROME; Arthrogryposis, distal, type 9; Beals-Hecht syndrome. Identifiers: Orphanet 115, MedGen C0220668, MONDO:0007363, OMIM 121050.

Allele frequency attached by ClinVar (database versions not stated): gnomAD exomes below 0.00001; ExAC 0.00001.
gnomAD v4.1: 2 of 1,613,836 alleles (0.00012%); highest among the groups gnomAD compares: Non-Finnish European, 0.00017%; no homozygotes.

Submission:

Labcorp Genetics (formerly Invitae), Labcorp
Classification: Uncertain significance for Congenital contractural arachnodactyly. Last evaluated: 2023-03-30. Review status: criteria provided, single submitter. Criteria: Invitae Variant Classification Sherloc (09022015). Collection method: clinical testing. Allele origin: germline.
Comment: This variant has not been reported in the literature in individuals affected with FBN2-related conditions. This variant is present in population databases (rs754380350, gnomAD 0.0009%). This sequence change replaces alanine, which is neutral and non-polar, with valine, which is neutral and non-polar, at codon 2388 of the FBN2 protein (p.Ala2388Val). ClinVar contains an entry for this variant (Variation ID: 1061530). In summary, the available evidence is currently insufficient to determine the role of this variant in disease. Therefore, it has been classified as a Variant of Uncertain Significance. Advanced modeling of protein sequence and biophysical properties (such as structural, functional, and spatial information, amino acid conservation, physicochemical variation, residue mobility, and thermodynamic stability) performed at Invitae indicates that this missense variant is not expected to disrupt FBN2 protein function.